The following is an entry in ClinVar:

NM_001365480.1(CCDC88A):c.274-1747A>T

Gene: CCDC88A (coiled-coil and HOOK domain protein 88A; minus strand). Cytogenetic location: 2p16.1.
Variant type: single nucleotide variant.
Coding change: c.274-1747A>T on transcript NM_001365480.1 (MANE Select); 1747 bases into the intron before coding-DNA position 274, A replaced by T.
Molecular consequence: intron variant.
Genome position (GRCh38, 1-based): chr2:55,376,630, T>A on the plus strand (A>T on the coding strand, the complement: CCDC88A is on the minus strand). VCF-style: chr2-55376630-T-A. GRCh37 (hg19) VCF-style: chr2-55603766-T-A.
Other names: c.274-1747A>T (NM_001254943.2, NM_001135597.2, NM_018084.5).
Identifiers: ClinVar variation 4890752 (VCV004890752.1).

ClinVar aggregate classification (germline): Uncertain significance (1 of 4 stars; one submission).

Conditions:
PEHO-like syndrome. Also called: PROGRESSIVE ENCEPHALOPATHY WITH EDEMA, HYPSARRHYTHMIA, AND OPTIC ATROPHY-LIKE SYNDROME. Identifiers: Orphanet 99807, MedGen C1850056, MONDO:0020495, OMIM 617507.

Submission:

Institute of Human Genetics, University of Leipzig Medical Center
Classification: Uncertain significance for PEHO-like syndrome. Last evaluated: 2026-08-19. Review status: criteria provided, single submitter. Criteria: ACMG Guidelines, 2015. Collection method: clinical testing. Allele origin: paternal. Inheritance: Autosomal recessive inheritance. Affected: yes.
Comment: Criteria applied: PM2,PP3